The following is an entry in ClinVar:

NM_005886.3(KATNB1):c.517-2_517-1delinsCC

Gene: KATNB1 (katanin regulatory subunit B1; plus strand). Cytogenetic location: 16q21.
Variant type: Indel.
Coding change: c.517-2_517-1delinsCC on transcript NM_005886.3 (MANE Select); the canonical splice acceptor site of the intron before coding-DNA position 517, AG replaced by CC.
Molecular consequence: splice acceptor variant.
Genome position (GRCh38, 1-based): chr16:57,751,938-57,751,939, AG replaced by CC. VCF-style: chr16-57751938-AG-CC. GRCh37 (hg19) VCF-style: chr16-57785850-AG-CC.
Identifiers: ClinVar variation 4855331 (VCV004855331.1).

ClinVar aggregate classification (germline): Likely pathogenic (1 of 4 stars; one submission).

Conditions:
Lissencephaly 6 with microcephaly. Identifiers: Orphanet 1083, MedGen C4015525, MONDO:0014534, OMIM 616212.

Submission:

3billion
Classification: Likely pathogenic for Lissencephaly 6 with microcephaly. Last evaluated: 2025-08-04. Review status: criteria provided, single submitter. Criteria: ACMG Guidelines, 2015. Collection method: clinical testing. Allele origin: germline. Affected: yes.
Comment: The variant is not observed in the gnomAD v4.1.0 dataset. Predicted Consequence/Location: Canonical splice site: predicted to alter splicing and result in a loss or disruption of normal protein function. Multiple pathogenic loss-of-function variants are reported downstream of the variant. In silico tools predict the variant to alter splicing and produce an abnormal transcript [SpliceAI: 1.00 (spliceogenicity >=0.2, non-spliceogenicity <0.1)]. Therefore, this variant is classified as Likely pathogenic according to the recommendation of ACMG/AMP guideline.